The following is an entry in ClinVar:

ClinVar aggregate classification (germline): Uncertain significance. Review status: criteria provided, multiple submitters, no conflicts (2 of 4 stars). 2 submissions from 2 submitters: Uncertain significance (2). Last evaluated 2024-12-29.

Conditions:
Inborn genetic diseases. Identifiers: MedGen C0950123, MeSH D030342.

Allele frequency attached by ClinVar (database versions not stated): gnomAD exomes below 0.00001; ExAC 0.00001; gnomAD 0.00001; TOPMed 0.00001.
gnomAD v4.1: 21 of 1,614,000 alleles (0.0013%); highest among the groups gnomAD compares: East Asian, 0.0045%; no homozygotes.

Submissions (2):

Ambry Genetics
Classification: Uncertain significance for Inborn genetic diseases. Last evaluated: 2024-12-29. Review status: criteria provided, single submitter. Criteria: Ambry Variant Classification Scheme 2023. Collection method: clinical testing. Allele origin: germline.

Labcorp Genetics (formerly Invitae), Labcorp
Classification: Uncertain significance. Last evaluated: 2022-07-19. Review status: criteria provided, single submitter. Criteria: Invitae Variant Classification Sherloc (09022015). Collection method: clinical testing. Allele origin: germline.
Comment: This sequence change replaces serine, which is neutral and polar, with glycine, which is neutral and non-polar, at codon 1698 of the MCM3AP protein (p.Ser1698Gly). This variant is present in population databases (rs747933094, gnomAD 0.006%). This variant has not been reported in the literature in individuals affected with MCM3AP-related conditions. ClinVar contains an entry for this variant (Variation ID: 1446245). Algorithms developed to predict the effect of missense changes on protein structure and function are either unavailable or do not agree on the potential impact of this missense change (SIFT: "Deleterious"; PolyPhen-2: "Probably Damaging"; Align-GVGD: "Class C0"). In summary, the available evidence is currently insufficient to determine the role of this variant in disease. Therefore, it has been classified as a Variant of Uncertain Significance.

NM_003906.5(MCM3AP):c.5092A>G (p.Ser1698Gly)

Genes: MCM3AP (minichromosome maintenance complex component 3 associated protein; minus strand), MCM3AP-AS1 (MCM3AP antisense RNA 1; plus strand). Cytogenetic location: 21q22.3.
Variant type: single nucleotide variant.
Coding change: c.5092A>G on transcript NM_003906.5 (MANE Select); coding-DNA position 5092, A replaced by G.
Protein change: p.Ser1698Gly; replaces serine 1698 with glycine.
Molecular consequence: missense variant.
Genome position (GRCh38, 1-based): chr21:46,243,669, T>C on the plus strand (A>G on the coding strand, the complement: MCM3AP is on the minus strand). VCF-style: chr21-46243669-T-C. GRCh37 (hg19) VCF-style: chr21-47663583-T-C.
Other names: c.5092A>G (NM_003906.3); short protein forms S1698G.
Identifiers: ClinVar variation 1446245 (VCV001446245.4), dbSNP rs747933094, ClinGen allele CA10075947.